The following is an entry in ClinVar:

NM_004984.4(KIF5A):c.889C>T (p.Arg297Trp)

Gene: KIF5A (kinesin family member 5A; plus strand). Cytogenetic location: 12q13.3.
Variant type: single nucleotide variant.
Coding change: c.889C>T on transcript NM_004984.4 (MANE Select); coding-DNA position 889, C replaced by T.
Protein change: p.Arg297Trp; replaces arginine 297 with tryptophan.
Molecular consequence: missense variant.
Genome position (GRCh38, 1-based): chr12:57,569,325, C>T. VCF-style: chr12-57569325-C-T. GRCh37 (hg19) VCF-style: chr12-57963108-C-T.
Other names: c.622C>T, p.Arg208Trp (NM_001354705.2); short protein forms R208W, R297W.
Identifiers: ClinVar variation 989073 (VCV000989073.13), dbSNP rs1416085161, ClinGen allele CA385500713.
Genomic context (GRCh38, chr12:57,569,325, plus strand): 5'-GTTCCATATCGTGACAGCAAAATGACAAGGATTCTCCAGGACTCTCTCGGGGGAAACTGC[C>T]GGACGACTATGTTCATCTGTTGCTCACCATCCAGTTATAATGATGCAGAGACCAAGTCCA-3'
Protein context (NP_004975.2, residues 287-307): ILQDSLGGNC[Arg297Trp]TTMFICCSPS

ClinVar aggregate classification (germline): Conflicting classifications of pathogenicity. Review status: criteria provided, conflicting classifications (1 of 4 stars). 3 submissions from 3 submitters: Pathogenic (1); Uncertain significance (2). Last evaluated 2025-03-01.

Conditions:
Spastic paraplegia. Identifiers: MedGen C0037772, HP:0001258.
Hereditary spastic paraplegia 10 (SPG10). Also called: SPASTIC PARAPLEGIA 10, AUTOSOMAL DOMINANT; SPASTIC PARAPLEGIA 10 WITH OR WITHOUT PERIPHERAL NEUROPATHY; SPASTIC PARAPLEGIA 10 WITH PERIPHERAL NEUROPATHY. Identifiers: Orphanet 100991, MedGen C1858712, MONDO:0011408, OMIM 604187.

Allele frequency attached by ClinVar (database versions not stated): gnomAD exomes below 0.00001.

Submissions (3):

CeGaT Center for Human Genetics Tuebingen
Classification: Uncertain significance. Last evaluated: 2025-03-01. Review status: criteria provided, single submitter. Criteria: CeGaT Center For Human Genetics Tuebingen Variant Classification Criteria Version 2. Collection method: clinical testing. Allele origin: germline. Affected: yes. Observed: 1 variant allele.
Comment: KIF5A: PM2, PP2, PP3

Labcorp Genetics (formerly Invitae), Labcorp
Classification: Uncertain significance for Spastic paraplegia. Last evaluated: 2022-06-12. Review status: criteria provided, single submitter. Criteria: Invitae Variant Classification Sherloc (09022015). Collection method: clinical testing. Allele origin: germline.
Comment: In summary, the available evidence is currently insufficient to determine the role of this variant in disease. Therefore, it has been classified as a Variant of Uncertain Significance. Advanced modeling of protein sequence and biophysical properties (such as structural, functional, and spatial information, amino acid conservation, physicochemical variation, residue mobility, and thermodynamic stability) performed at Invitae indicates that this missense variant is expected to disrupt KIF5A protein function. ClinVar contains an entry for this variant (Variation ID: 989073). This variant has not been reported in the literature in individuals affected with KIF5A-related conditions. This variant is not present in population databases (gnomAD no frequency). This sequence change replaces arginine, which is basic and polar, with tryptophan, which is neutral and slightly polar, at codon 297 of the KIF5A protein (p.Arg297Trp).

Paris Brain Institute, Inserm - ICM
Classification: Pathogenic for Hereditary spastic paraplegia 10. Review status: criteria provided, single submitter. Criteria: ACMG Guidelines, 2015. Collection method: clinical testing. Allele origin: unknown. Affected: yes. Observed: 1 variant allele.